The following is an entry in ClinVar:

ClinVar aggregate classification (germline): Likely benign. Review status: criteria provided, multiple submitters, no conflicts (2 of 4 stars). 2 submissions from 2 submitters: Likely benign (2). Last evaluated 2026-01-30.

Conditions:
Tuberous sclerosis 1 (TSC1). Identifiers: Orphanet 805, MedGen C1854465, MONDO:0008612, OMIM 191100.

Submissions (2):

Labcorp Genetics (formerly Invitae), Labcorp
Classification: Likely benign for Tuberous sclerosis 1. Last evaluated: 2026-01-30. Review status: criteria provided, single submitter. Criteria: Invitae Variant Classification Sherloc (09022015). Collection method: clinical testing. Allele origin: germline.

Myriad Genetics, Inc.
Classification: Likely benign for Tuberous sclerosis 1. Last evaluated: 2025-04-09. Review status: criteria provided, single submitter. Criteria: Myriad Autosomal Dominant, Autosomal Recessive and X-Linked Classification Criteria (2023). Collection method: clinical testing. Allele origin: unknown.
Comment: This variant is considered likely benign. This variant is intronic and is not expected to impact mRNA splicing.

NM_000368.5(TSC1):c.913+10G>A

Gene: TSC1 (TSC complex subunit 1; minus strand). Cytogenetic location: 9q34.13.
Variant type: single nucleotide variant.
Coding change: c.913+10G>A on transcript NM_000368.5 (MANE Select); 10 bases into the intron after coding-DNA position 913, G replaced by A.
Molecular consequence: intron variant.
Genome position (GRCh38, 1-based): chr9:132,912,272, C>T on the plus strand (G>A on the coding strand, the complement: TSC1 is on the minus strand). VCF-style: chr9-132912272-C-T. GRCh37 (hg19) VCF-style: chr9-135787659-C-T.
Other names: c.550+10G>A (NM_001362177.2); c.760+10G>A (NM_001162427.2); c.913+10G>A (NM_001162426.2).
Identifiers: ClinVar variation 1612497 (VCV001612497.9), dbSNP rs2131992961, ClinGen allele CA2573144259.